The following is an entry in ClinVar:

NM_001040436.3(YARS2):c.709G>T (p.Gly237Ter)

Gene: YARS2 (tyrosyl-tRNA synthetase 2; minus strand). Cytogenetic location: 12p11.21.
Variant type: single nucleotide variant.
Coding change: c.709G>T on transcript NM_001040436.3 (MANE Select); coding-DNA position 709, G replaced by T.
Protein change: p.Gly237Ter; replaces glycine 237 with a stop codon.
Molecular consequence: nonsense.
Genome position (GRCh38, 1-based): chr12:32,755,166, C>A on the plus strand (G>T on the coding strand, the complement: YARS2 is on the minus strand). VCF-style: chr12-32755166-C-A. GRCh37 (hg19) VCF-style: chr12-32908100-C-A.
Other names: short protein forms G237*.
Identifiers: ClinVar variation 2194223 (VCV002194223.4), dbSNP rs1215680080, ClinGen allele CA384373324.

ClinVar aggregate classification (germline): Pathogenic (1 of 4 stars; one submission).

Allele frequency attached by ClinVar (database versions not stated): gnomAD exomes 0.00003.

Submission:

Labcorp Genetics (formerly Invitae), Labcorp
Classification: Pathogenic. Last evaluated: 2023-05-15. Review status: criteria provided, single submitter. Criteria: Invitae Variant Classification Sherloc (09022015). Collection method: clinical testing. Allele origin: germline.
Comment: This sequence change creates a premature translational stop signal (p.Gly237*) in the YARS2 gene. It is expected to result in an absent or disrupted protein product. Loss-of-function variants in YARS2 are known to be pathogenic (PMID: 20598274, 24344687, 25638461). This variant is present in population databases (no rsID available, gnomAD 0.002%). This variant has not been reported in the literature in individuals affected with YARS2-related conditions. ClinVar contains an entry for this variant (Variation ID: 2194223). For these reasons, this variant has been classified as Pathogenic.

Literature cited by the submitters: PubMed 20598274; PubMed 24344687; PubMed 25638461.